The following is an entry in ClinVar:

NM_019098.5(CNGB3):c.2419G>A (p.Ala807Thr)

Gene: CNGB3 (cyclic nucleotide gated channel subunit beta 3; minus strand). Cytogenetic location: 8q21.3.
Variant type: single nucleotide variant.
Coding change: c.2419G>A on transcript NM_019098.5 (MANE Select); coding-DNA position 2419, G replaced by A.
Protein change: p.Ala807Thr; replaces alanine 807 with threonine.
Molecular consequence: missense variant.
Genome position (GRCh38, 1-based): chr8:86,575,815, C>T on the plus strand (G>A on the coding strand, the complement: CNGB3 is on the minus strand). VCF-style: chr8-86575815-C-T. GRCh37 (hg19) VCF-style: chr8-87588043-C-T.
Other names: short protein forms A807T.
Identifiers: ClinVar variation 908712 (VCV000908712.6), dbSNP rs375288585, ClinGen allele CA4799727.

ClinVar aggregate classification (germline): Uncertain significance. Review status: criteria provided, multiple submitters, no conflicts (2 of 4 stars). 4 submissions from 3 submitters: Uncertain significance (4). Last evaluated 2024-10-14.

Conditions:
Achromatopsia 3 (ACHM3). Also called: PINGELAPESE BLINDNESS; TOTAL COLORBLINDNESS WITH MYOPIA; ROD MONOCHROMACY 1; ROD MONOCHROMATISM 1; ACHROMATOPSIA WITH MYOPIA. Identifiers: Orphanet 49382, MedGen C1849792, MONDO:0009875, OMIM 262300.
Severe early-childhood-onset retinal dystrophy (STGD1). Also called: Stargardt macular dystrophy; Juvenile onset macular degeneration; Stargardt disease 1; MACULAR DYSTROPHY WITH FLECKS, TYPE 1; STGD. Identifiers: Orphanet 364055, Orphanet 827, MedGen C1855465, MeSH D000080362, MONDO:0009549, OMIM 248200.

Allele frequency attached by ClinVar (database versions not stated): gnomAD 0.00003 and 0.00004; TOPMed 0.00004; ExAC 0.00001; gnomAD exomes 0.00002.
gnomAD v4.1: 45 of 1,613,668 alleles (0.0028%); highest among the groups gnomAD compares: East Asian, 0.016%; 1 homozygote.

Submissions (4):

Blueprint Genetics
Classification: Uncertain significance. Last evaluated: 2024-10-14. Review status: criteria provided, single submitter. Criteria: ACMG Guidelines, 2015. Collection method: clinical testing. Allele origin: germline.

Labcorp Genetics (formerly Invitae), Labcorp
Classification: Uncertain significance. Last evaluated: 2022-10-24. Review status: criteria provided, single submitter. Criteria: Invitae Variant Classification Sherloc (09022015). Collection method: clinical testing. Allele origin: germline.
Comment: This sequence change replaces alanine, which is neutral and non-polar, with threonine, which is neutral and polar, at codon 807 of the CNGB3 protein (p.Ala807Thr). This variant is present in population databases (rs375288585, gnomAD 0.03%). This variant has not been reported in the literature in individuals affected with CNGB3-related conditions. ClinVar contains an entry for this variant (Variation ID: 908712). Advanced modeling of protein sequence and biophysical properties (such as structural, functional, and spatial information, amino acid conservation, physicochemical variation, residue mobility, and thermodynamic stability) performed at Invitae indicates that this missense variant is not expected to disrupt CNGB3 protein function. In summary, the available evidence is currently insufficient to determine the role of this variant in disease. Therefore, it has been classified as a Variant of Uncertain Significance.

Illumina Laboratory Services, Illumina
Classification: Uncertain significance for Achromatopsia 3. Last evaluated: 2017-04-28. Review status: criteria provided, single submitter. Criteria: ICSL Variant Classification Criteria 13 December 2019. Collection method: clinical testing. Allele origin: germline.

Illumina Laboratory Services, Illumina
Classification: Uncertain significance for Severe early-childhood-onset retinal dystrophy. Last evaluated: 2017-04-28. Review status: criteria provided, single submitter. Criteria: ICSL Variant Classification Criteria 13 December 2019. Collection method: clinical testing. Allele origin: germline.